The following is an entry in ClinVar:

ClinVar aggregate classification (germline): Uncertain significance. Review status: criteria provided, multiple submitters, no conflicts (2 of 4 stars). 3 submissions from 3 submitters: Uncertain significance (3). Last evaluated 2024-09-26.

Conditions:
Renal cell carcinoma. Identifiers: Orphanet 217071, MedGen C0007134, MeSH D002292, MONDO:0005086, HP:0005584.
Autosomal recessive nonsyndromic hearing loss 97. Also called: Deafness, autosomal recessive 97. Identifiers: Orphanet 90636, MedGen C4084709, MONDO:0014739, OMIM 616705.
Hereditary cancer-predisposing syndrome. Also called: Hereditary Cancer Syndrome; Tumor predisposition; Neoplastic Syndromes, Hereditary; Hereditary neoplastic syndrome. Identifiers: Orphanet 140162, MedGen C0027672, MeSH D009386, MONDO:0015356.

Allele frequency attached by ClinVar (database versions not stated): gnomAD exomes below 0.00001.
gnomAD v4.1: 2 of 1,614,186 alleles (0.00012%); highest among the groups gnomAD compares: Non-Finnish European, 0.00017%; no homozygotes.

Submissions (3):

Ambry Genetics
Classification: Uncertain significance for Hereditary cancer-predisposing syndrome. Last evaluated: 2024-09-26. Review status: criteria provided, single submitter. Criteria: Ambry Variant Classification Scheme 2023. Collection method: clinical testing. Allele origin: germline.
Comment: The p.P533T variant (also known as c.1597C>A), located in coding exon 4 of the MET gene, results from a C to A substitution at nucleotide position 1597. The proline at codon 533 is replaced by threonine, an amino acid with highly similar properties. This amino acid position is highly conserved in available vertebrate species. In addition, this alteration is predicted to be tolerated by in silico analysis. Based on the available evidence, the clinical significance of this variant remains unclear.

Baylor Genetics
Classification: Uncertain significance for Autosomal recessive nonsyndromic hearing loss 97. Last evaluated: 2024-03-22. Review status: criteria provided, single submitter. Criteria: ACMG Guidelines, 2015. Collection method: clinical testing. Allele origin: unknown.

Labcorp Genetics (formerly Invitae), Labcorp
Classification: Uncertain significance for Renal cell carcinoma. Last evaluated: 2020-06-30. Review status: criteria provided, single submitter. Criteria: Invitae Variant Classification Sherloc (09022015). Collection method: clinical testing. Allele origin: germline.
Comment: In summary, the available evidence is currently insufficient to determine the role of this variant in disease. Therefore, it has been classified as a Variant of Uncertain Significance. Algorithms developed to predict the effect of missense changes on protein structure and function are either unavailable or do not agree on the potential impact of this missense change (SIFT: "Deleterious"; PolyPhen-2: "Probably Damaging"; Align-GVGD: "Class C0"). This variant has not been reported in the literature in individuals with MET-related conditions. This variant is not present in population databases (ExAC no frequency). This sequence change replaces proline with threonine at codon 533 of the MET protein (p.Pro533Thr). The proline residue is highly conserved and there is a small physicochemical difference between proline and threonine.

NM_000245.4(MET):c.1597C>A (p.Pro533Thr)

Gene: MET (MET proto-oncogene, receptor tyrosine kinase; plus strand). Cytogenetic location: 7q31.2.
Variant type: single nucleotide variant.
Coding change: c.1597C>A on transcript NM_000245.4 (MANE Select); coding-DNA position 1597, C replaced by A.
Protein change: p.Pro533Thr; replaces proline 533 with threonine.
Molecular consequence: missense variant.
Genome position (GRCh38, 1-based): chr7:116,740,921, C>A. VCF-style: chr7-116740921-C-A. GRCh37 (hg19) VCF-style: chr7-116380975-C-A.
Other names: c.1597C>A, p.Pro533Thr (NM_001127500.3, NM_001324401.3); c.307C>A, p.Pro103Thr (NM_001324402.2); c.1597C>A (NM_001127500.1); short protein forms P103T, P533T.
Identifiers: ClinVar variation 1015665 (VCV001015665.11), dbSNP rs1793422040, ClinGen allele CA368975366.